The following is an entry in ClinVar:

NM_000535.7(PMS2):c.525G>A (p.Arg175=)

Gene: PMS2 (PMS1 homolog 2, mismatch repair system component; minus strand). Cytogenetic location: 7p22.1.
Variant type: single nucleotide variant.
Coding change: c.525G>A on transcript NM_000535.7 (MANE Select); coding-DNA position 525, G replaced by A.
Protein change: p.Arg175=; no amino-acid change (arginine 175 retained).
Molecular consequence: synonymous variant. On other transcripts: 5 prime UTR variant (2), non-coding transcript variant (1).
Genome position (GRCh38, 1-based): chr7:6,002,465, C>T on the plus strand (G>A on the coding strand, the complement: PMS2 is on the minus strand). VCF-style: chr7-6002465-C-T. GRCh37 (hg19) VCF-style: chr7-6042096-C-T.
Other names: c.120G>A, p.Arg40= (NM_001322003.2, NM_001322004.2, NM_001322005.2 and 3 more transcripts); c.525G>A, p.Arg175= (NM_001322006.2, NM_001322014.2); c.207G>A, p.Arg69= (NM_001322007.2, NM_001322008.2); c.-360G>A (NM_001322011.2, NM_001322012.2); c.216G>A, p.Arg72= (NM_001322015.2).
Identifiers: ClinVar variation 484281 (VCV000484281.20), dbSNP rs1554303870, ClinGen allele CA453647581.
Genomic context (GRCh38, chr7:6,002,465, plus strand): 5'-CATGTGCATTAACCAATACTCTTGAAAACCAGGATTAATTTACTGTACCTTCTTAATATT[C>T]CTTTGAAATTCCTTATGGCGCACAGGTAGTGTGGAAAATAACTGCTGCACGCTGACTGTG-3'
Protein context (NP_000526.2, residues 165-185): TLPVRHKEFQ[Arg175=]NIKKEYAKMV

ClinVar aggregate classification (germline): Benign/Likely benign. Review status: criteria provided, multiple submitters, no conflicts (2 of 4 stars). 5 submissions from 5 submitters: Benign (1); Likely benign (4). Last evaluated 2025-01-27.

Conditions:
Lynch syndrome 4 (LYNCH4). Also called: Colorectal cancer, hereditary nonpolyposis, type 4; Hereditary non-polyposis colorectal cancer, type 4. Identifiers: Orphanet 144, MedGen C1838333, MONDO:0013699, OMIM 614337. Disease mechanism: loss of function.
Hereditary cancer-predisposing syndrome. Also called: Neoplastic Syndromes, Hereditary; Tumor predisposition; Hereditary Cancer Syndrome; Hereditary neoplastic syndrome. Identifiers: Orphanet 140162, MedGen C0027672, MeSH D009386, MONDO:0015356.
Hereditary nonpolyposis colorectal neoplasms. Identifiers: MedGen C0009405, MeSH D003123.

Allele frequency attached by ClinVar (database versions not stated): gnomAD exomes below 0.00001; TOPMed below 0.00001.
gnomAD v4.1: 2 of 1,608,182 alleles (0.00012%); highest among the groups gnomAD compares: Non-Finnish European, 0.00017%; no homozygotes.

Submissions (5):

Myriad Genetics, Inc.
Classification: Benign for Lynch syndrome 4. Last evaluated: 2025-01-27. Review status: criteria provided, single submitter. Criteria: Myriad Autosomal Dominant, Autosomal Recessive and X-Linked Classification Criteria (2023). Collection method: clinical testing. Allele origin: unknown.
Comment: This variant is considered benign. This variant is a silent/synonymous amino acid change and it is not expected to impact splicing.

Labcorp Genetics (formerly Invitae), Labcorp
Classification: Likely benign for Hereditary nonpolyposis colorectal neoplasms. Last evaluated: 2024-10-27. Review status: criteria provided, single submitter. Criteria: Invitae Variant Classification Sherloc (09022015). Collection method: clinical testing. Allele origin: germline.

GeneDx
Classification: Likely benign. Last evaluated: 2019-02-04. Review status: criteria provided, single submitter. Criteria: GeneDx Variant Classification Process June 2021. Collection method: clinical testing. Allele origin: germline. Affected: yes.

Color Diagnostics, LLC DBA Color Health
Classification: Likely benign for Hereditary cancer-predisposing syndrome. Last evaluated: 2017-12-08. Review status: criteria provided, single submitter. Criteria: ACMG Guidelines, 2015. Collection method: clinical testing. Allele origin: germline.

Ambry Genetics
Classification: Likely benign for Hereditary cancer-predisposing syndrome. Last evaluated: 2016-06-24. Review status: criteria provided, single submitter. Criteria: Ambry Variant Classification Scheme 2023. Collection method: clinical testing. Allele origin: germline.